The following is an entry in ClinVar:

ClinVar aggregate classification (germline): Uncertain significance (1 of 4 stars; one submission).

Conditions:
Autosomal dominant nocturnal frontal lobe epilepsy 5. Also called: CILIARY DYSKINESIA, PRIMARY, 28, WITH SITUS INVERSUS; KCNT1-Related Epilepsy; CILIARY DYSKINESIA, PRIMARY, 28, WITHOUT SITUS INVERSUS; Epilepsy, nocturnal frontal lobe, 5. Identifiers: Orphanet 98784, MedGen C3554306, MONDO:0014002, OMIM 615005.
Developmental and epileptic encephalopathy, 14 (DEE14). Also called: Early infantile epileptic encephalopathy 14. Identifiers: Orphanet 293181, MedGen C3554195, MONDO:0013989, OMIM 614959.

Allele frequency attached by ClinVar (database versions not stated): ExAC 0.00001; gnomAD exomes 0.00001.
gnomAD v4.1: 8 of 1,613,428 alleles (0.0005%); highest among the groups gnomAD compares: Admixed American, 0.0017%; no homozygotes.

Submission:

Labcorp Genetics (formerly Invitae), Labcorp
Classification: Uncertain significance for Autosomal dominant nocturnal frontal lobe epilepsy 5; Developmental and epileptic encephalopathy, 14. Last evaluated: 2025-08-11. Review status: criteria provided, single submitter. Criteria: Invitae Variant Classification Sherloc (09022015). Collection method: clinical testing. Allele origin: germline.
Comment: This sequence change replaces leucine, which is neutral and non-polar, with proline, which is neutral and non-polar, at codon 189 of the KCNT1 protein (p.Leu189Pro). This variant is present in population databases (rs749194581, gnomAD 0.003%). This variant has not been reported in the literature in individuals affected with KCNT1-related conditions. ClinVar contains an entry for this variant (Variation ID: 1379383). Invitae Evidence Modeling of protein sequence and biophysical properties (such as structural, functional, and spatial information, amino acid conservation, physicochemical variation, residue mobility, and thermodynamic stability) indicates that this missense variant is not expected to disrupt KCNT1 protein function with a negative predictive value of 80%. In summary, the available evidence is currently insufficient to determine the role of this variant in disease. Therefore, it has been classified as a Variant of Uncertain Significance.

NM_020822.3(KCNT1):c.566T>C (p.Leu189Pro)

Gene: KCNT1 (potassium sodium-activated channel subfamily T member 1; plus strand). Cytogenetic location: 9q34.3.
Variant type: single nucleotide variant.
Coding change: c.566T>C on transcript NM_020822.3 (MANE Select); coding-DNA position 566, T replaced by C.
Protein change: p.Leu189Pro; replaces leucine 189 with proline.
Molecular consequence: missense variant.
Genome position (GRCh38, 1-based): chr9:135,756,898, T>C. VCF-style: chr9-135756898-T-C. GRCh37 (hg19) VCF-style: chr9-138648744-T-C.
Other names: c.422T>C, p.Leu141Pro (NM_001272003.2); short protein forms L189P, L141P.
Identifiers: ClinVar variation 1379383 (VCV001379383.6), dbSNP rs749194581, ClinGen allele CA5326518.